The following is an entry in ClinVar:

ClinVar aggregate classification (germline): Uncertain significance (1 of 4 stars; one submission).

gnomAD v4.1: 5 of 1,614,166 alleles (0.00031%); highest among the groups gnomAD compares: Non-Finnish European, 0.00042%; no homozygotes.

Submission:

CeGaT Center for Human Genetics Tuebingen
Classification: Uncertain significance. Last evaluated: 2023-04-01. Review status: criteria provided, single submitter. Criteria: CeGaT Center For Human Genetics Tuebingen Variant Classification Criteria Version 2. Collection method: clinical testing. Allele origin: germline. Affected: yes. Observed: 1 variant allele.
Comment: AFF4: PM2

NM_014423.4(AFF4):c.2140C>T (p.Leu714Phe)

Gene: AFF4 (ALF transcription elongation factor 4; minus strand). Cytogenetic location: 5q31.1.
Variant type: single nucleotide variant.
Coding change: c.2140C>T on transcript NM_014423.4 (MANE Select); coding-DNA position 2140, C replaced by T.
Protein change: p.Leu714Phe; replaces leucine 714 with phenylalanine.
Molecular consequence: missense variant.
Genome position (GRCh38, 1-based): chr5:132,896,490, G>A on the plus strand (C>T on the coding strand, the complement: AFF4 is on the minus strand). VCF-style: chr5-132896490-G-A. GRCh37 (hg19) VCF-style: chr5-132232182-G-A.
Other names: short protein forms L714F.
Identifiers: ClinVar variation 2571231 (VCV002571231.27), dbSNP rs2532473198, ClinGen allele CA360933913.